The following is an entry in ClinVar:

ClinVar aggregate classification (germline): Uncertain significance (1 of 4 stars; one submission).

Submission:

Labcorp Genetics (formerly Invitae), Labcorp
Classification: Uncertain significance. Last evaluated: 2021-12-21. Review status: criteria provided, single submitter. Criteria: Invitae Variant Classification Sherloc (09022015). Collection method: clinical testing. Allele origin: germline.
Comment: In summary, the available evidence is currently insufficient to determine the role of this variant in disease. Therefore, it has been classified as a Variant of Uncertain Significance. This variant has not been reported in the literature in individuals affected with TNNI3K-related conditions. This variant results in a copy number gain of the genomic region encompassing exon(s) 5-25 of the TNNI3K gene. This region includes the termination codon of the gene. This copy number gain extends beyond the assayed region for this gene and therefore may encompass additional genes. As the precise location of this event is unknown, it may be in tandem or it may be located elsewhere in the genome.

NC_000001.10:g.(?_74737262)_(75009666_?)dup

Genes: FPGT-TNNI3K (FPGT-TNNI3K readthrough; plus strand), TNNI3K (TNNI3 interacting kinase; plus strand). Cytogenetic location: 1p31.1.
Variant type: Duplication.
Identifiers: ClinVar variation 2426255 (VCV002426255.4).